The following is an entry in ClinVar:

NM_012469.4(PRPF6):c.1908+4G>C

Gene: PRPF6 (pre-mRNA processing factor 6; plus strand). Cytogenetic location: 20q13.33.
Variant type: single nucleotide variant.
Coding change: c.1908+4G>C on transcript NM_012469.4 (MANE Select); 4 bases into the intron after coding-DNA position 1908, G replaced by C.
Molecular consequence: intron variant.
Genome position (GRCh38, 1-based): chr20:64,024,697, G>C. VCF-style: chr20-64024697-G-C. GRCh37 (hg19) VCF-style: chr20-62656050-G-C.
Identifiers: ClinVar variation 2118996 (VCV002118996.4), dbSNP rs1486940063, ClinGen allele CA2580098487.
Genomic context (GRCh38, chr20:64,024,697, plus strand): 5'-AAGTGGCTGGCAGGGGATGTGCCTGCAGCAAGGAGCATCCTGGCCCTGGCCTTCCAGGTG[G>C]GTGAGGGTTGCCTGTGTGGTGAGGGGCCTGTGCACACAGGAGCTGACCTGGGTGCTGACT-3'

ClinVar aggregate classification (germline): Uncertain significance (1 of 4 stars; one submission).

Submission:

Labcorp Genetics (formerly Invitae), Labcorp
Classification: Uncertain significance. Last evaluated: 2022-10-17. Review status: criteria provided, single submitter. Criteria: Invitae Variant Classification Sherloc (09022015). Collection method: clinical testing. Allele origin: germline.
Comment: This variant is not present in population databases (gnomAD no frequency). This sequence change falls in intron 14 of the PRPF6 gene. It does not directly change the encoded amino acid sequence of the PRPF6 protein. It affects a nucleotide within the consensus splice site. This variant has not been reported in the literature in individuals affected with PRPF6-related conditions. Variants that disrupt the consensus splice site are a relatively common cause of aberrant splicing (PMID: 17576681, 9536098). Algorithms developed to predict the effect of sequence changes on RNA splicing suggest that this variant is not likely to affect RNA splicing. In summary, the available evidence is currently insufficient to determine the role of this variant in disease. Therefore, it has been classified as a Variant of Uncertain Significance.

Literature cited by the submitters: PubMed 17576681; PubMed 9536098.